The following is an entry in ClinVar:

NM_000545.8(HNF1A):c.955+5G>C

Gene: HNF1A (HNF1 homeobox A; plus strand). Cytogenetic location: 12q24.31.
Variant type: single nucleotide variant.
Coding change: c.955+5G>C on transcript NM_000545.8 (MANE Select); 5 bases into the intron after coding-DNA position 955, G replaced by C.
Molecular consequence: intron variant.
Genome position (GRCh38, 1-based): chr12:120,994,410, G>C. VCF-style: chr12-120994410-G-C. GRCh37 (hg19) VCF-style: chr12-121432213-G-C.
Other names: c.955+5G>C (NM_001306179.2, NM_001406915.1).
Identifiers: ClinVar variation 2580868 (VCV002580868.2), dbSNP rs2499998409, ClinGen allele CA2580618123.
Genomic context (GRCh38, chr12:120,994,410, plus strand): 5'-CGCTCACAGCTCCCCTGGCCTGCCTCCACCTGCCCTCTCCCCCAGTAAGGTCCACGGTAA[G>C]TGGTATGTGGGGACAAGGGACACGTGGGAAGGTGGGAGGGTTGGGGAGGACTGTCCCAGT-3'

ClinVar aggregate classification (germline): Likely pathogenic (1 of 4 stars; one submission).

Conditions:
Maturity-onset diabetes of the young (MODY). Also called: Maturity onset diabetes mellitus in young. Identifiers: Orphanet 552, MedGen C0342276, MONDO:0018911, HP:0004904.

Submission:

Dept of Medical Genetics, AP-HP Sorbonne University, Pitié-Salpêtrière hospital
Classification: Likely pathogenic for MODY. Last evaluated: 2022-11-01. Review status: criteria provided, single submitter. Criteria: ACMG Guidelines, 2015. Collection method: clinical testing. Allele origin: germline. Affected: yes.
Comment: minigene showed effect on RNA splicing: skipping of exon 4 (r.955_956ins7, p.Val320Lysfs*12) and retention of the first 7 bp of intron 4 (r.714_955del, p.Ala239Cysfs*10). PS3 PM2

Literature cited by the submitters: PubMed 23348805.